The following is an entry in ClinVar:

NM_004204.5(PIGQ):c.902G>A (p.Arg301His)

Gene: PIGQ (phosphatidylinositol glycan anchor biosynthesis class Q; plus strand). Cytogenetic location: 16p13.3.
Variant type: single nucleotide variant.
Coding change: c.902G>A on transcript NM_004204.5 (MANE Select); coding-DNA position 902, G replaced by A.
Protein change: p.Arg301His; replaces arginine 301 with histidine.
Molecular consequence: missense variant.
Genome position (GRCh38, 1-based): chr16:576,214, G>A. VCF-style: chr16-576214-G-A. GRCh37 (hg19) VCF-style: chr16-626214-G-A.
Other names: c.902G>A, p.Arg301His (NM_148920.4); c.902G>A (NM_148920.1); short protein forms R301H.
Identifiers: ClinVar variation 574611 (VCV000574611.34), dbSNP rs371210440, ClinGen allele CA7780020.
Genomic context (GRCh38, chr16:576,214, plus strand): 5'-CTGTGCTGCTGGACGTGGCCCTGGGCCTCATGCTGCTGTCCTGGCTCCACGGGAGAAGCC[G>A]CATCGGGCATCTGGCCGACGCCCTCGTTCCTGTGGCTGACGTGAGTGGACTGGGGTGGAG-3'
Protein context (NP_004195.2, residues 291-311): MLLSWLHGRS[Arg301His]IGHLADALVP

ClinVar aggregate classification (germline): Uncertain significance. Review status: criteria provided, multiple submitters, no conflicts (2 of 4 stars). 4 submissions from 4 submitters: Uncertain significance (4). Last evaluated 2025-11-11.

Conditions:
Inborn genetic diseases. Identifiers: MedGen C0950123, MeSH D030342.
Epilepsy. Also called: Seizure disorder. Identifiers: MedGen C0014544, MeSH D004827, MONDO:0005027.

Allele frequency attached by ClinVar (database versions not stated): gnomAD 0.00044; ESP Exome Variant Server 0.00008; TOPMed 0.00023; ExAC 0.00026; gnomAD exomes 0.00028.
gnomAD v4.1: 329 of 1,550,758 alleles (0.021%); highest among the groups gnomAD compares: Admixed American, 0.16%; no homozygotes.

Submissions (4):

Greenwood Genetic Center Diagnostic Laboratories, Greenwood Genetic Center
Classification: Uncertain significance. Last evaluated: 2025-11-11. Review status: criteria provided, single submitter. Criteria: ACMG Guidelines, 2015. Collection method: clinical testing. Allele origin: germline. Affected: yes.
Comment: PM2

Labcorp Genetics (formerly Invitae), Labcorp
Classification: Uncertain significance for Epilepsy. Last evaluated: 2024-01-22. Review status: criteria provided, single submitter. Criteria: Invitae Variant Classification Sherloc (09022015). Collection method: clinical testing. Allele origin: germline.
Comment: This sequence change replaces arginine, which is basic and polar, with histidine, which is basic and polar, at codon 301 of the PIGQ protein (p.Arg301His). This variant is present in population databases (rs371210440, gnomAD 0.1%). This variant has not been reported in the literature in individuals affected with PIGQ-related conditions. ClinVar contains an entry for this variant (Variation ID: 574611). Algorithms developed to predict the effect of missense changes on protein structure and function output the following: SIFT: "Not Available"; PolyPhen-2: "Benign"; Align-GVGD: "Not Available". The histidine amino acid residue is found in multiple mammalian species, which suggests that this missense change does not adversely affect protein function. In summary, the available evidence is currently insufficient to determine the role of this variant in disease. Therefore, it has been classified as a Variant of Uncertain Significance.

CeGaT Center for Human Genetics Tuebingen
Classification: Uncertain significance. Last evaluated: 2023-08-01. Review status: criteria provided, single submitter. Criteria: CeGaT Center For Human Genetics Tuebingen Variant Classification Criteria Version 2. Collection method: clinical testing. Allele origin: germline. Affected: yes. Observed: 1 variant allele.
Comment: PIGQ: PM2, BP4

Ambry Genetics
Classification: Uncertain significance for Inborn genetic diseases. Last evaluated: 2021-10-14. Review status: criteria provided, single submitter. Criteria: Ambry Variant Classification Scheme 2023. Collection method: clinical testing. Allele origin: germline.